The following is an entry in ClinVar:

ClinVar aggregate classification (germline): Pathogenic (1 of 4 stars; one submission).

Conditions:
Infantile neuroaxonal dystrophy (NBIA2A). Also called: NEURODEGENERATION WITH BRAIN IRON ACCUMULATION 2A; SEITELBERGER DISEASE; Infantile neuroaxonal dystrophy 1. Identifiers: Orphanet 35069, MedGen C0270724, MONDO:0024457, OMIM 256600.

Submission:

Labcorp Genetics (formerly Invitae), Labcorp
Classification: Pathogenic for Infantile neuroaxonal dystrophy. Last evaluated: 2022-04-04. Review status: criteria provided, single submitter. Criteria: Invitae Variant Classification Sherloc (09022015). Collection method: clinical testing. Allele origin: germline.
Comment: This variant has not been reported in the literature in individuals affected with PLA2G6-related conditions. This variant is not present in population databases (gnomAD no frequency). This sequence change creates a premature translational stop signal (p.Gly487Glufs*2) in the PLA2G6 gene. It is expected to result in an absent or disrupted protein product. Loss-of-function variants in PLA2G6 are known to be pathogenic (PMID: 16783378, 18570303, 18799783, 22213678). For these reasons, this variant has been classified as Pathogenic.

Literature cited by the submitters: PubMed 16783378; PubMed 18570303; PubMed 18799783; PubMed 22213678.

NM_003560.4(PLA2G6):c.1460del (p.Gly487fs)

Gene: PLA2G6 (phospholipase A2 group VI; minus strand). Cytogenetic location: 22q13.1.
Variant type: Deletion.
Coding change: c.1460del on transcript NM_003560.4 (MANE Select); coding-DNA position 1460, one base deleted (G; older notation c.1460delG).
Protein change: p.Gly487fs; shifts the reading frame from glycine 487.
Molecular consequence: frameshift variant.
Genome position (GRCh38, 1-based): chr22:38,123,226, C deleted on the plus strand (G on the coding strand, the reverse complement: PLA2G6 is on the minus strand); the first of 2 consecutive C bases (chr22:38,123,226-38,123,227); deleting either gives the same sequence. VCF-style (leftmost placement, unchanged base first): chr22-38123225-TC-T. GRCh37 (hg19) VCF-style: chr22-38519232-TC-T.
Other names: c.1298del, p.Gly433fs (NM_001004426.3, NM_001199562.3, NM_001349865.2 and 1 more transcripts); c.1460del, p.Gly487fs (NM_001349864.2); c.926del, p.Gly309fs (NM_001349867.2); c.782del, p.Gly261fs (NM_001349868.2); c.764del, p.Gly255fs (NM_001349869.2); short protein forms G255fs, G261fs, G309fs, G433fs, G487fs.
Identifiers: ClinVar variation 2121380 (VCV002121380.4), dbSNP rs2517962176, ClinGen allele CA2580099760.